The following is an entry in ClinVar:

ClinVar aggregate classification (germline): Uncertain significance. Review status: criteria provided, multiple submitters, no conflicts (2 of 4 stars). 2 submissions from 2 submitters: Uncertain significance (2). Last evaluated 2023-07-31.

Conditions:
CRYBB2-related disorder. Also called: CRYBB2-related condition.

Submissions (2):

PreventionGenetics, part of Exact Sciences
Classification: Uncertain significance for CRYBB2-related condition. Last evaluated: 2023-07-31. Review status: criteria provided, single submitter. Criteria: ACMG Guidelines, 2015. Collection method: clinical testing. Allele origin: germline.
Comment: The CRYBB2 c.173+5G>A variant is predicted to interfere with splicing. To our knowledge, this variant has not been reported in the literature or in a large population database, indicating this variant is rare. Loss of function variants have been reported in CRYBB2; however, they have all been downstream of this variant (Human Gene Mutation Database). At this time, the clinical significance of this variant is uncertain due to the absence of conclusive functional and genetic evidence.

Blueprint Genetics
Classification: Uncertain significance. Last evaluated: 2021-12-15. Review status: criteria provided, single submitter. Criteria: ACMG Guidelines, 2015. Collection method: clinical testing. Allele origin: germline.

NM_000496.3(CRYBB2):c.173+5G>A

Gene: CRYBB2 (crystallin beta B2; plus strand). Cytogenetic location: 22q11.23.
Variant type: single nucleotide variant.
Coding change: c.173+5G>A on transcript NM_000496.3 (MANE Select); 5 bases into the intron after coding-DNA position 173, G replaced by A.
Molecular consequence: intron variant.
Genome position (GRCh38, 1-based): chr22:25,225,041, G>A. VCF-style: chr22-25225041-G-A. GRCh37 (hg19) VCF-style: chr22-25621008-G-A.
Identifiers: ClinVar variation 2628639 (VCV002628639.2), dbSNP rs2517853644, ClinGen allele CA2655844199.
Genomic context (GRCh38, chr22:25,225,041, plus strand): 5'-AACCTGAAGGAAACTGGCGTGGAGAAGGCAGGTTCTGTCCTAGTGCAGGCTGGACCGTAA[G>A]TACCTGGGTGGCCTCTCCTGGTCAGGGACTTTGGGTGAGGTGATCAAGTTGTGGAGTGGG-3'